The following is an entry in ClinVar:

NM_003079.5(SMARCE1):c.148C>T (p.Arg50Trp)

Gene: SMARCE1 (SWI/SNF related BAF chromatin remodeling complex subunit E1; minus strand). Cytogenetic location: 17q21.2.
Variant type: single nucleotide variant.
Coding change: c.148C>T on transcript NM_003079.5 (MANE Select); coding-DNA position 148, C replaced by T.
Protein change: p.Arg50Trp; replaces arginine 50 with tryptophan.
Molecular consequence: missense variant.
Genome position (GRCh38, 1-based): chr17:40,642,463, G>A on the plus strand (C>T on the coding strand, the complement: SMARCE1 is on the minus strand). VCF-style: chr17-40642463-G-A. GRCh37 (hg19) VCF-style: chr17-38798715-G-A.
Other names: short protein forms R50W.
Identifiers: ClinVar variation 4170311 (VCV004170311.2).
Genomic context (GRCh38, chr17:40,642,463, plus strand): 5'-TTCTGGTCAATTCCAGTTGTTTGCCGGATGCTGTAATAGTTGATTCTCCTACCGTGACCC[G>A]GCTGTTGGTGCCCGGGTTCCCTCCCAGCCTGTAGTTGTTGTAGGCGAGATGACTGTATGG-3'
Protein context (NP_003070.3, residues 40-60): RLGGNPGTNS[Arg50Trp]VTASSGITIP

ClinVar aggregate classification (germline): Uncertain significance. Review status: criteria provided, multiple submitters, no conflicts (2 of 4 stars). 2 submissions from 2 submitters: Uncertain significance (2). Last evaluated 2025-12-17.

Conditions:
Hereditary cancer-predisposing syndrome. Also called: Neoplastic Syndromes, Hereditary; Tumor predisposition; Hereditary Cancer Syndrome; Hereditary neoplastic syndrome. Identifiers: Orphanet 140162, MedGen C0027672, MeSH D009386, MONDO:0015356.
Familial meningioma. Also called: Meningioma, familial, susceptibility to. Identifiers: Orphanet 263662, MedGen C3551915, MONDO:0011789, OMIM 607174.

Submissions (2):

Labcorp Genetics (formerly Invitae), Labcorp
Classification: Uncertain significance for Familial meningioma. Last evaluated: 2025-12-17. Review status: criteria provided, single submitter. Criteria: Invitae Variant Classification Sherloc (09022015). Collection method: clinical testing. Allele origin: germline.
Comment: This sequence change replaces arginine, which is basic and polar, with tryptophan, which is neutral and slightly polar, at codon 50 of the SMARCE1 protein (p.Arg50Trp). This variant is not present in population databases (gnomAD no frequency). This variant has not been reported in the literature in individuals affected with SMARCE1-related conditions. ClinVar contains an entry for this variant (Variation ID: 4170311). An algorithm developed to predict the effect of missense changes on protein structure and function (PolyPhen-2) suggests that this variant is likely to be tolerated. In summary, the available evidence is currently insufficient to determine the role of this variant in disease. Therefore, it has been classified as a Variant of Uncertain Significance.

Ambry Genetics
Classification: Uncertain significance for Hereditary cancer-predisposing syndrome. Last evaluated: 2025-08-04. Review status: criteria provided, single submitter. Criteria: Ambry Variant Classification Scheme 2023. Collection method: clinical testing. Allele origin: germline.
Comment: The p.R50W variant (also known as c.148C>T), located in coding exon 3 of the SMARCE1 gene, results from a C to T substitution at nucleotide position 148. The arginine at codon 50 is replaced by tryptophan, an amino acid with dissimilar properties. This amino acid position is conserved. In addition, the in silico prediction for this alteration is inconclusive. Based on the available evidence, the clinical significance of this variant remains unclear.